The following is an entry in ClinVar:

ClinVar aggregate classification (germline): Conflicting classifications of pathogenicity. Review status: criteria provided, conflicting classifications (1 of 4 stars). 8 submissions from 8 submitters: Uncertain significance (6); Likely benign (1). 1 of the submissions does not count toward it. Last evaluated 2025-11-10.

Conditions:
Cardiovascular phenotype. Identifiers: MedGen CN230736.
Cardiomyopathy (CMYO). Also called: Cardiomyopathies. Identifiers: Orphanet 167848, MedGen C0878544, MONDO:0004994, HP:0001638. Inheritance: Various modes of inheritance.
Hypertrophic cardiomyopathy 7. Also called: TNNI3-Related Familial Hypertrophic Cardiomyopathy; Familial hypertrophic cardiomyopathy 7; CARDIOMYOPATHY, FAMILIAL HYPERTROPHIC, 7, MODIFIER OF. Identifiers: MedGen C1860752, MONDO:0013369, OMIM 613690.
Hypertrophic cardiomyopathy. Also called: HYPERTROPHIC MYOCARDIOPATHY. Identifiers: Orphanet 217569, MedGen C0007194, MeSH D002312, MONDO:0005045, HP:0001639.

Allele frequency attached by ClinVar (database versions not stated): gnomAD exomes 0.00004 and 0.00002; ExAC 0.00005; TOPMed 0.00002.
gnomAD v4.1: 22 of 1,612,416 alleles (0.0014%); highest among the groups gnomAD compares: South Asian, 0.022%; no homozygotes.

Submissions (8):

Color Diagnostics, LLC DBA Color Health
Classification: Likely benign for Cardiomyopathy. Last evaluated: 2025-11-10. Review status: criteria provided, single submitter. Criteria: ACMG Guidelines, 2015. Collection method: clinical testing. Allele origin: germline.

GeneDx
Classification: Uncertain significance. Last evaluated: 2025-08-01. Review status: criteria provided, single submitter. Criteria: GeneDx Variant Classification Process June 2021. Collection method: clinical testing. Allele origin: germline. Affected: yes.
Comment: In silico analysis supports that this missense variant has a deleterious effect on protein structure/function; This variant is associated with the following publications: (PMID: 27532257, 20817590, 37652022)

Labcorp Genetics (formerly Invitae), Labcorp
Classification: Uncertain significance for Hypertrophic cardiomyopathy. Last evaluated: 2025-05-04. Review status: criteria provided, single submitter. Criteria: Invitae Variant Classification Sherloc (09022015). Collection method: clinical testing. Allele origin: germline.
Comment: This sequence change replaces arginine, which is basic and polar, with leucine, which is neutral and non-polar, at codon 79 of the TNNI3 protein (p.Arg79Leu). This variant is present in population databases (rs397516342, gnomAD 0.03%). This missense change has been observed in individual(s) with hypertrophic cardiomyopathy (PMID: 15607392, 27532257, 37652022). ClinVar contains an entry for this variant (Variation ID: 43368). An algorithm developed to predict the effect of missense changes on protein structure and function (PolyPhen-2) suggests that this variant is likely to be tolerated. In summary, the available evidence is currently insufficient to determine the role of this variant in disease. Therefore, it has been classified as a Variant of Uncertain Significance.

All of Us Research Program, National Institutes of Health
Classification: Uncertain significance for Hypertrophic cardiomyopathy. Last evaluated: 2023-07-13. Review status: criteria provided, single submitter. Criteria: ACMG Guidelines, 2015. Collection method: clinical testing. Allele origin: germline. Inheritance: Autosomal dominant inheritance. Observed: 2 variant alleles, 2 heterozygotes.
Comment: This missense variant replaces arginine with leucine at codon 79 of the TNNI3 protein. Computational prediction is inconclusive regarding the impact of this variant on protein structure and function (internally defined REVEL score threshold 0.5 < inconclusive < 0.7, PMID: 27666373). To our knowledge, functional studies have not been reported for this variant. This variant has been reported in two individuals affected with hypertrophic cardiomyopathy (PMID: 27532257). This variant has also been identified in 9/240802 chromosomes in the general population by the Genome Aggregation Database (gnomAD). The available evidence is insufficient to determine the role of this variant in disease conclusively. Therefore, this variant is classified as a Variant of Uncertain Significance.

This study involves interpretation of variants in research participants for the purpose of population health screening. Participant phenotype was not available at the time of variant classification. Additional details can be found in publication PMID: 35346344, PMCID: PMC8962531

CHEO Genetics Diagnostic Laboratory, Children's Hospital of Eastern Ontario
Classification: Uncertain significance for Cardiomyopathy. Last evaluated: 2022-08-25. Review status: criteria provided, single submitter. Criteria: ACMG Guidelines, 2015. Collection method: clinical testing. Allele origin: germline. Study: Canadian Open Genetics Repository.

Ambry Genetics
Classification: Uncertain significance for Cardiovascular phenotype. Last evaluated: 2021-01-13. Review status: criteria provided, single submitter. Criteria: Ambry Variant Classification Scheme 2023. Collection method: clinical testing. Allele origin: germline.

Victorian Clinical Genetics Services, Murdoch Childrens Research Institute
Classification: Uncertain significance for Hypertrophic cardiomyopathy 7. Last evaluated: 2020-05-25. Review status: criteria provided, single submitter. Criteria: ACMG Guidelines, 2015. Collection method: clinical testing. Allele origin: germline. Affected: yes.
Comment: Based on the classification scheme VCGS_Germline_v1.1.1, this variant is classified as 3C - VUS. Following criteria are met: 0103 - Both loss- and gain-of-function are known mechanisms of disease for this gene. (N) 0108 - This gene is known to be associated with both recessive and dominant disease (OMIM) (N) 0112 - Variants in this gene are known to have reduced penetrance (PMID: 15607392). (N) 0200 - Variant is predicted to result in a missense amino acid change from arginine to leucine. (exon 5) (N) 0251 - Variant is heterozygous. (N) 0302 - Variant is present in gnomAD <0.001 for a dominant condition (9 heterozygotes, 0 homozygotes). (P) 0309 - An alternative amino acid change at the same position has been observed in gnomAD (Arg79Cys; 126 heterozygotes, 0 homozygotes). (N) 0502 - Missense variant with conflicting in-silico predictions and/or uninformative conservation. (N) 0600 - Variant is located in an annotated domain or motif (Troponin; NCBI) (N) 0709 - Comparable variants have strong previous evidence for being benign. p.(Arg79Cys) reported as likely benign multiple times (ClinVar) (B) 0804 - Variant has previously been described as variant of uncertain significance (PMID: 27532257, ClinVar) (P) 0905 - No segregation evidence has been identified for this variant. (N) 1007 - No published functional evidence has been identified for this variant. (N) 1208 - Inheritance information for this variant is not currently available. (N) Legend: (P) - Pathogenic, (N) - Neutral, (B) - Benign

Laboratory for Molecular Medicine, Mass General Brigham Personalized Medicine
Classification: Uncertain significance. Last evaluated: 2008-03-01. Review status: no assertion criteria provided. Collection method: clinical testing. Allele origin: germline. Observed: 2 variant alleles. Not counted in ClinVar's aggregate classification.

Literature cited by the submitters: PubMed 15607392 (cited by Labcorp Genetics (formerly Invitae), Labcorp and Victorian Clinical Genetics Services, Murdoch Childrens Research Institute); PubMed 27532257 (cited by 3 submitters); PubMed 37652022 (cited by Labcorp Genetics (formerly Invitae), Labcorp).

NM_000363.5(TNNI3):c.236G>T (p.Arg79Leu)

Gene: TNNI3 (troponin I3, cardiac type; minus strand). Cytogenetic location: 19q13.42.
Variant type: single nucleotide variant.
Coding change: c.236G>T on transcript NM_000363.5 (MANE Select); coding-DNA position 236, G replaced by T.
Protein change: p.Arg79Leu; replaces arginine 79 with leucine.
Molecular consequence: missense variant.
Genome position (GRCh38, 1-based): chr19:55,156,247, C>A on the plus strand (G>T on the coding strand, the complement: TNNI3 is on the minus strand). VCF-style: chr19-55156247-C-A. GRCh37 (hg19) VCF-style: chr19-55667615-C-A.
Other names: short protein forms R79L.
Identifiers: ClinVar variation 43368 (VCV000043368.21), dbSNP rs397516342, ClinGen allele CA021404.
Genomic context (GRCh38, chr19:55,156,247, plus strand): 5'-TTGGGAGCCGGTACCTGCAGCTCCGCGAAGCCCAGCCCGGCCAACTCCAGCGGCTGGCAG[C>A]GGGTGCTCAGAGCGCGCCCCTTCTCTCCGCGCCGCTCCTCCGCCTCTCGCTCCAGCTCTT-3'
Protein context (NP_000354.4, residues 69-89): RGEKGRALST[Arg79Leu]CQPLELAGLG